The following is an entry in ClinVar:

ClinVar aggregate classification (germline): Likely benign (1 of 4 stars; one submission).

Allele frequency attached by ClinVar (database versions not stated): ESP Exome Variant Server 0.00008; TOPMed 0.00009.
gnomAD v4.1: 146 of 1,614,048 alleles (0.009%); highest among the groups gnomAD compares: Non-Finnish European, 0.0086%; no homozygotes.

Submission:

CeGaT Center for Human Genetics Tuebingen
Classification: Likely benign. Last evaluated: 2023-06-01. Review status: criteria provided, single submitter. Criteria: CeGaT Center For Human Genetics Tuebingen Variant Classification Criteria Version 2. Collection method: clinical testing. Allele origin: germline. Affected: yes. Observed: 1 variant allele.
Comment: SERPINB7: BP4, BP7

NM_003784.4(SERPINB7):c.108C>T (p.Phe36=)

Gene: SERPINB7 (serpin family B member 7; plus strand). Cytogenetic location: 18q21.33.
Variant type: single nucleotide variant.
Coding change: c.108C>T on transcript NM_003784.4 (MANE Select); coding-DNA position 108, C replaced by T.
Protein change: p.Phe36=; no amino-acid change (phenylalanine 36 retained).
Molecular consequence: synonymous variant.
Genome position (GRCh38, 1-based): chr18:63,782,480, C>T. VCF-style: chr18-63782480-C-T. GRCh37 (hg19) VCF-style: chr18-61449714-C-T.
Other names: c.108C>T, p.Phe36= (NM_001040147.3, NM_001261830.2, NM_001261831.2).
Identifiers: ClinVar variation 2648796 (VCV002648796.24), dbSNP rs145018483, ClinGen allele CA8989273.